The following is an entry in ClinVar:

NM_006254.4(PRKCD):c.315+9C>A

Gene: PRKCD (protein kinase C delta; plus strand). Cytogenetic location: 3p21.1.
Variant type: single nucleotide variant.
Coding change: c.315+9C>A on transcript NM_006254.4 (MANE Select); 9 bases into the intron after coding-DNA position 315, C replaced by A.
Molecular consequence: intron variant.
Genome position (GRCh38, 1-based): chr3:53,179,785, C>A. VCF-style: chr3-53179785-C-A. GRCh37 (hg19) VCF-style: chr3-53213801-C-A.
Other names: c.315+9C>A (NM_001354680.2, NM_001354679.2, NM_212539.2 and 1 more transcripts); c.372+9C>A (NM_001354676.2); c.363+9C>A (NM_001354678.2).
Identifiers: ClinVar variation 791076 (VCV000791076.20), dbSNP rs200076653, ClinGen allele CA2451728.

ClinVar aggregate classification (germline): Benign/Likely benign. Review status: criteria provided, multiple submitters, no conflicts (2 of 4 stars). 4 submissions from 4 submitters: Benign (1); Likely benign (2). 1 of the submissions does not count toward it. Last evaluated 2026-01-26.

Conditions:
Autoimmune lymphoproliferative syndrome, type III caused by mutation in PRKCD. Identifiers: Orphanet 3261, Orphanet 664711, MedGen C3809928, MONDO:8000024, OMIM 615559.
PRKCD-related disorder. Also called: PRKCD-related condition.

Allele frequency attached by ClinVar (database versions not stated): 1000 Genomes Project 30x 0.00047; 1000 Genomes Project 0.00060; gnomAD 0.00078; ESP Exome Variant Server 0.00108; TOPMed 0.00122.

Submissions (4):

Labcorp Genetics (formerly Invitae), Labcorp
Classification: Benign for Autoimmune lymphoproliferative syndrome, type III caused by mutation in PRKCD. Last evaluated: 2026-01-26. Review status: criteria provided, single submitter. Criteria: Invitae Variant Classification Sherloc (09022015). Collection method: clinical testing. Allele origin: germline.

Blueprint Genetics
Classification: Likely benign. Last evaluated: 2023-05-24. Review status: criteria provided, single submitter. Criteria: ACMG Guidelines, 2015. Collection method: clinical testing. Allele origin: germline.

ARUP Laboratories, Molecular Genetics and Genomics, ARUP Laboratories
Classification: Likely benign for Autoimmune lymphoproliferative syndrome, type III caused by mutation in PRKCD. Last evaluated: 2018-09-25. Review status: criteria provided, single submitter. Criteria: ARUP Molecular Germline Variant Investigation Process. Collection method: clinical testing. Allele origin: germline.

PreventionGenetics, part of Exact Sciences
Classification: Likely benign for PRKCD-related condition. Last evaluated: 2019-02-21. Review status: no assertion criteria provided. Collection method: clinical testing. Allele origin: germline. Not counted in ClinVar's aggregate classification.
Comment: This variant is classified as likely benign based on ACMG/AMP sequence variant interpretation guidelines (Richards et al. 2015 PMID: 25741868, with internal and published modifications).